The following is an entry in ClinVar:

ClinVar aggregate classification (germline): Uncertain significance (1 of 4 stars; one submission).

Conditions:
Epileptic encephalopathy. Identifiers: MedGen C0543888, HP:0200134.

Submission:

Labcorp Genetics (formerly Invitae), Labcorp
Classification: Uncertain significance for Epileptic encephalopathy. Last evaluated: 2019-02-22. Review status: criteria provided, single submitter. Criteria: Invitae Variant Classification Sherloc (09022015). Collection method: clinical testing. Allele origin: germline.
Comment: In summary, the available evidence is currently insufficient to determine the role of this variant in disease. Therefore, it has been classified as a Variant of Uncertain Significance. The current clinical and genetic evidence is not sufficient to establish whether loss-of-function variants in RYR3 cause disease. This variant has not been reported in the literature in individuals with RYR3-related conditions. The frequency data for this variant in the population databases is considered unreliable, as metrics indicate poor data quality at this position in the ExAC database. This sequence change creates a premature translational stop signal (p.Phe4419*) in the RYR3 gene. It is expected to result in an absent or disrupted protein product.

NM_001036.6(RYR3):c.13256_13259del (p.Leu4418_Phe4419insTer)

Gene: RYR3 (ryanodine receptor 3; plus strand). Cytogenetic location: 15q14.
Variant type: Deletion.
Coding change: c.13256_13259del on transcript NM_001036.6 (MANE Select); coding-DNA positions 13256 to 13259, 4 bases deleted (TTGT; older notation c.13256_13259delTTGT).
Protein change: p.Leu4418_Phe4419insTer.
Molecular consequence: nonsense.
Genome position (GRCh38, 1-based): chr15:33,843,534-33,843,537, TTGT deleted; deleting any 4 consecutive bases within chr15:33,843,531-33,843,537 gives the same sequence; the c. name uses the placement nearest the transcript's 3' end. VCF-style (leftmost placement, unchanged base first): chr15-33843530-CTGTT-C. GRCh37 (hg19) VCF-style: chr15-34135731-CTGTT-C.
Other names: c.13241_13244del, p.Leu4413_Phe4414insTer (NM_001243996.4).
Identifiers: ClinVar variation 834940 (VCV000834940.7), dbSNP rs775076044, ClinGen allele CA7461593.